The following is an entry in ClinVar:

NM_001170535.3(ATAD3A):c.283-73G>A

Gene: ATAD3A (ATPase family AAA domain containing 3A; plus strand). Cytogenetic location: 1p36.33.
Variant type: single nucleotide variant.
Coding change: c.283-73G>A on transcript NM_001170535.3 (MANE Select); 73 bases into the intron before coding-DNA position 283, G replaced by A.
Molecular consequence: intron variant. On other transcripts: synonymous variant (1).
Genome position (GRCh38, 1-based): chr1:1,517,238, G>A. VCF-style: chr1-1517238-G-A. GRCh37 (hg19) VCF-style: chr1-1452618-G-A.
Other names: c.354G>A, p.Val118= (NM_018188.5); c.46-73G>A (NM_001170536.3).
Identifiers: ClinVar variation 4085943 (VCV004085943.8).

ClinVar aggregate classification (germline): Likely benign (1 of 4 stars; one submission).

Submission:

CeGaT Center for Human Genetics Tuebingen
Classification: Likely benign. Last evaluated: 2025-08-01. Review status: criteria provided, single submitter. Criteria: CeGaT Center For Human Genetics Tuebingen Variant Classification Criteria Version 2. Collection method: clinical testing. Allele origin: germline. Affected: yes. Observed: 1 variant allele.
Comment: ATAD3A: PM2:Supporting, BP4, BP7